The following is an entry in ClinVar:

NM_170665.4(ATP2A2):c.1670C>A (p.Thr557Lys)

Gene: ATP2A2 (ATPase sarcoplasmic/endoplasmic reticulum Ca2+ transporting 2; plus strand). Cytogenetic location: 12q24.11.
Variant type: single nucleotide variant.
Coding change: c.1670C>A on transcript NM_170665.4 (MANE Select); coding-DNA position 1670, C replaced by A.
Protein change: p.Thr557Lys; replaces threonine 557 with lysine.
Molecular consequence: missense variant.
Genome position (GRCh38, 1-based): chr12:110,339,630, C>A. VCF-style: chr12-110339630-C-A. GRCh37 (hg19) VCF-style: chr12-110777435-C-A.
Other names: c.1565C>A, p.Thr522Lys (NM_001413013.1); c.1670C>A, p.Thr557Lys (NM_001413014.1, NM_001681.4); c.1295C>A, p.Thr432Lys (NM_001413015.1); short protein forms T432K, T522K, T557K.
Identifiers: ClinVar variation 4746415 (VCV004746415.1).

ClinVar aggregate classification (germline): Uncertain significance (1 of 4 stars; one submission).

Submission:

Labcorp Genetics (formerly Invitae), Labcorp
Classification: Uncertain significance. Last evaluated: 2025-02-20. Review status: criteria provided, single submitter. Criteria: Invitae Variant Classification Sherloc (09022015). Collection method: clinical testing. Allele origin: germline.
Comment: This sequence change replaces threonine, which is neutral and polar, with lysine, which is basic and polar, at codon 557 of the ATP2A2 protein (p.Thr557Lys). This variant is not present in population databases (gnomAD no frequency). This variant has not been reported in the literature in individuals affected with ATP2A2-related conditions. Invitae Evidence Modeling of protein sequence and biophysical properties (such as structural, functional, and spatial information, amino acid conservation, physicochemical variation, residue mobility, and thermodynamic stability) indicates that this missense variant is expected to disrupt ATP2A2 protein function with a positive predictive value of 80%. In summary, the available evidence is currently insufficient to determine the role of this variant in disease. Therefore, it has been classified as a Variant of Uncertain Significance.